The following is an entry in ClinVar:

NM_001002029.4(C4B):c.3694_3695dup (p.Val1233fs)

Gene: C4B (complement C4B (Chido/Rodgers blood group); plus strand). Cytogenetic location: 6p21.33.
Variant type: Duplication.
Coding change: c.3694_3695dup on transcript NM_001002029.4 (MANE Select); coding-DNA positions 3694 to 3695, 2 bases duplicated (TC; older notation c.3694_3695dupTC).
Protein change: p.Val1233fs; shifts the reading frame from valine 1233.
Molecular consequence: frameshift variant.
Genome position (GRCh38, 1-based): chr6:32,029,583-32,029,584, TC duplicated; duplicating any 2 consecutive bases within chr6:32,029,582-32,029,584 gives the same sequence; the c. name uses the placement nearest the transcript's 3' end. VCF-style (leftmost placement, unchanged base first): chr6-32029581-G-GCT. GRCh37 (hg19) VCF-style: chr6-31997358-G-GCT.
Other names: short protein forms V1233fs.
Identifiers: ClinVar variation 2656436 (VCV002656436.25), dbSNP rs367709216, ClinGen allele CA3732173.

ClinVar aggregate classification (germline): Conflicting classifications of pathogenicity. Review status: criteria provided, conflicting classifications (1 of 4 stars). 2 submissions from 2 submitters: Likely pathogenic (1); Benign (1). Last evaluated 2026-04-01.

Conditions:
Primary ciliary dyskinesia. Also called: Ciliary dyskinesia. Identifiers: Orphanet 244, MedGen C0008780, MONDO:0016575, HP:0012265.

Submissions (2):

Department of Human Genetics, Hannover Medical School
Classification: Likely pathogenic for Primary Ciliary Dyskinesia. Last evaluated: 2026-04-01. Review status: criteria provided, single submitter. Criteria: ACMG Guidelines, 2015. Collection method: research. Allele origin: germline. Affected: no.
Comment: Classification performed by HerediClassify using the following criteria:['PM2_supporting: Variant occures does not occur as homozygous in gnomAD.', 'PVS1_protein_very_strong: Transcript ENST00000435363 is predicted to undergo NMD.']

CeGaT Center for Human Genetics Tuebingen
Classification: Benign. Last evaluated: 2023-08-01. Review status: criteria provided, single submitter. Criteria: CeGaT Center For Human Genetics Tuebingen Variant Classification Criteria Version 2. Collection method: clinical testing. Allele origin: germline. Affected: yes. Observed: 7 variant alleles.
Comment: C4B: BS1, BS2